The following is an entry in ClinVar:

ClinVar aggregate classification (germline): Likely benign. Review status: criteria provided, multiple submitters, no conflicts (2 of 4 stars). 6 submissions from 6 submitters: Likely benign (4). 2 of the submissions do not count toward it. Last evaluated 2026-01-11.

Conditions:
KIF14-related disorder. Also called: KIF14-related condition.

Allele frequency attached by ClinVar (database versions not stated): ExAC 0.00054; gnomAD exomes 0.00054 and 0.00127; ESP Exome Variant Server 0.00069; TOPMed 0.00074; gnomAD 0.00082 and 0.00091.
gnomAD v4.1: 1,946 of 1,614,068 alleles (0.12%); highest among the groups gnomAD compares: Non-Finnish European, 0.16%; 1 homozygote.

Submissions (6):

Labcorp Genetics (formerly Invitae), Labcorp
Classification: Likely benign. Last evaluated: 2026-01-11. Review status: criteria provided, single submitter. Criteria: Invitae Variant Classification Sherloc (09022015). Collection method: clinical testing. Allele origin: germline.

CeGaT Center for Human Genetics Tuebingen
Classification: Likely benign. Last evaluated: 2025-08-01. Review status: criteria provided, single submitter. Criteria: CeGaT Center For Human Genetics Tuebingen Variant Classification Criteria Version 2. Collection method: clinical testing. Allele origin: germline. Affected: yes. Observed: 4 variant alleles.
Comment: KIF14: BP4, BP7

Blueprint Genetics
Classification: Likely benign. Last evaluated: 2024-11-20. Review status: criteria provided, single submitter. Criteria: ACMG Guidelines, 2015. Collection method: clinical testing. Allele origin: germline.

Breakthrough Genomics
Classification: Likely benign. Review status: criteria provided, single submitter. Criteria: ACMG Guidelines, 2015. Collection method: not provided. Allele origin: germline. Inheritance: Autosomal recessive inheritance. Affected: yes.

Genetic Services Laboratory, University of Chicago
Classification: Likely benign. Last evaluated: 2022-11-03. Review status: no assertion criteria provided. Collection method: clinical testing. Allele origin: germline. Affected: no. Not counted in ClinVar's aggregate classification.

PreventionGenetics, part of Exact Sciences
Classification: Likely benign for KIF14-related condition. Last evaluated: 2021-08-03. Review status: no assertion criteria provided. Collection method: clinical testing. Allele origin: germline. Not counted in ClinVar's aggregate classification.
Comment: This variant is classified as likely benign based on ACMG/AMP sequence variant interpretation guidelines (Richards et al. 2015 PMID: 25741868, with internal and published modifications).

NM_014875.3(KIF14):c.262T>C (p.Leu88=)

Gene: KIF14 (kinesin family member 14; minus strand). Cytogenetic location: 1q32.1.
Variant type: single nucleotide variant.
Coding change: c.262T>C on transcript NM_014875.3 (MANE Select); coding-DNA position 262, T replaced by C.
Protein change: p.Leu88=; no amino-acid change (leucine 88 retained).
Molecular consequence: synonymous variant. On other transcripts: 5 prime UTR variant (1).
Genome position (GRCh38, 1-based): chr1:200,618,462, A>G on the plus strand (T>C on the coding strand, the complement: KIF14 is on the minus strand). VCF-style: chr1-200618462-A-G. GRCh37 (hg19) VCF-style: chr1-200587590-A-G.
Other names: c.-1124T>C (NM_001305792.1).
Identifiers: ClinVar variation 788719 (VCV000788719.36), dbSNP rs139388122, ClinGen allele CA1318058.